The following is an entry in ClinVar:

NM_001384272.1(HCRTR2):c.444C>T (p.Ile148=)

Gene: HCRTR2 (hypocretin receptor 2; plus strand). Cytogenetic location: 6p12.1.
Variant type: single nucleotide variant.
Coding change: c.444C>T on transcript NM_001384272.1 (MANE Select); coding-DNA position 444, C replaced by T.
Protein change: p.Ile148=; no amino-acid change (isoleucine 148 retained).
Molecular consequence: synonymous variant.
Genome position (GRCh38, 1-based): chr6:55,255,177, C>T. VCF-style: chr6-55255177-C-T. GRCh37 (hg19) VCF-style: chr6-55119975-C-T.
Other names: c.444C>T, p.Ile148= (NM_001526.5).
Identifiers: ClinVar variation 3037159 (VCV003037159.2), dbSNP rs113561951, ClinGen allele CA3863481.
Genomic context (GRCh38, chr6:55,255,177, plus strand): 5'-TGATCTTTCTTTTCTCTAGACCGTGTCGGTGTCTGTGTCTGTCCTCACACTGAGCTGTAT[C>T]GCCTTGGATCGGTGGTATGCAATCTGTCACCCTTTGATGTTTAAGAGCACAGCAAAGCGG-3'
Protein context (NP_001371201.1, residues 138-158): VSVSVLTLSC[Ile148=]ALDRWYAICH

ClinVar aggregate classification (germline): Benign (0 of 4 stars; one submission).

Conditions:
HCRTR2-related disorder. Also called: HCRTR2-related condition.

Allele frequency attached by ClinVar (database versions not stated): TOPMed 0.00327; ESP Exome Variant Server 0.00377; ExAC 0.00095; 1000 Genomes Project 30x 0.00187; 1000 Genomes Project 0.00200; gnomAD 0.00269.
gnomAD v4.1: 872 of 1,613,896 alleles (0.054%); highest among the groups gnomAD compares: African/African-American, 0.96%; 7 homozygotes.

Submission:

PreventionGenetics, part of Exact Sciences
Classification: Benign for HCRTR2-related condition. Last evaluated: 2019-05-01. Review status: no assertion criteria provided. Collection method: clinical testing. Allele origin: germline.
Comment: This variant is classified as benign based on ACMG/AMP sequence variant interpretation guidelines (Richards et al. 2015 PMID: 25741868, with internal and published modifications).